The following is an entry in ClinVar:

ClinVar aggregate classification (germline): Conflicting classifications of pathogenicity. Review status: criteria provided, conflicting classifications (1 of 4 stars). 3 submissions from 3 submitters: Uncertain significance (1); Likely benign (2). Last evaluated 2025-12-18.

Conditions:
Retinitis pigmentosa (RP). Identifiers: Orphanet 791, MedGen C0035334, MeSH D012174, MONDO:0019200, OMIM 268000. Inheritance: Autosomal dominant, autosomal recessive and X linked inheritance.

Allele frequency attached by ClinVar (database versions not stated): gnomAD exomes 0.00021 and 0.00031; ESP Exome Variant Server 0.00023; gnomAD 0.00023 and 0.00026; TOPMed 0.00025; ExAC 0.00052.
gnomAD v4.1: 489 of 1,604,506 alleles (0.03%); highest among the groups gnomAD compares: Non-Finnish European, 0.037%; no homozygotes.

Submissions (3):

Labcorp Genetics (formerly Invitae), Labcorp
Classification: Uncertain significance. Last evaluated: 2025-12-18. Review status: criteria provided, single submitter. Criteria: Invitae Variant Classification Sherloc (09022015). Collection method: clinical testing. Allele origin: germline.
Comment: This sequence change replaces glutamine, which is neutral and polar, with proline, which is neutral and non-polar, at codon 254 of the CA4 protein (p.Gln254Pro). This variant is present in population databases (rs150432787, gnomAD 0.04%), and has an allele count higher than expected for a pathogenic variant. This missense change has been observed in individual(s) with retinitis pigmentosa (PMID: 29343940). ClinVar contains an entry for this variant (Variation ID: 324237). Invitae Evidence Modeling of protein sequence and biophysical properties (such as structural, functional, and spatial information, amino acid conservation, physicochemical variation, residue mobility, and thermodynamic stability) indicates that this missense variant is expected to disrupt CA4 protein function with a positive predictive value of 80%. In summary, the available evidence is currently insufficient to determine the role of this variant in disease. Therefore, it has been classified as a Variant of Uncertain Significance.

Blueprint Genetics
Classification: Likely benign. Last evaluated: 2024-11-20. Review status: criteria provided, single submitter. Criteria: ACMG Guidelines, 2015. Collection method: clinical testing. Allele origin: germline.

Illumina Laboratory Services, Illumina
Classification: Likely benign for Retinitis pigmentosa. Last evaluated: 2018-01-13. Review status: criteria provided, single submitter. Criteria: ICSL Variant Classification Criteria 13 December 2019. Collection method: clinical testing. Allele origin: germline.
Comment: This variant was observed in the ICSL laboratory as part of a predisposition screen in an ostensibly healthy population. It had not been previously curated by ICSL or reported in the Human Gene Mutation Database (HGMD: prior to June 1st, 2018), and was therefore a candidate for classification through an automated scoring system. Utilizing variant allele frequency, disease prevalence and penetrance estimates, and inheritance mode, an automated score was calculated to assess if this variant is too frequent to cause the disease. Based on the score and internal cut-off values, a variant classified as likely benign is not then subjected to further curation. The score for this variant resulted in a classification of likely benign for this disease.

Literature cited by the submitters: PubMed 29343940 (cited by Labcorp Genetics (formerly Invitae), Labcorp).

NM_000717.5(CA4):c.761A>C (p.Gln254Pro)

Gene: CA4 (carbonic anhydrase 4; plus strand). Cytogenetic location: 17q23.1.
Variant type: single nucleotide variant.
Coding change: c.761A>C on transcript NM_000717.5 (MANE Select); coding-DNA position 761, A replaced by C.
Protein change: p.Gln254Pro; replaces glutamine 254 with proline.
Molecular consequence: missense variant. On other transcripts: non-coding transcript variant (1).
Genome position (GRCh38, 1-based): chr17:60,159,246, A>C. VCF-style: chr17-60159246-A-C. GRCh37 (hg19) VCF-style: chr17-58236607-A-C.
Other names: short protein forms Q254P.
Identifiers: ClinVar variation 324237 (VCV000324237.13), dbSNP rs150432787, ClinGen allele CA8685530.